The following is an entry in ClinVar:

NM_001365480.1(CCDC88A):c.1698A>T (p.Thr566=)

Gene: CCDC88A (coiled-coil domain containing 88A; minus strand). Cytogenetic location: 2p16.1.
Variant type: single nucleotide variant.
Coding change: c.1698A>T on transcript NM_001365480.1 (MANE Select); coding-DNA position 1698, A replaced by T.
Protein change: p.Thr566=; no amino-acid change (threonine 566 retained).
Molecular consequence: synonymous variant.
Genome position (GRCh38, 1-based): chr2:55,335,123, T>A on the plus strand (A>T on the coding strand, the complement: CCDC88A is on the minus strand). VCF-style: chr2-55335123-T-A. GRCh37 (hg19) VCF-style: chr2-55562259-T-A.
Other names: c.1698A>T, p.Thr566= (NM_001135597.2, NM_001254943.2, NM_018084.5).
Identifiers: ClinVar variation 2111647 (VCV002111647.2), dbSNP rs1157691622, ClinGen allele CA426410500.

ClinVar aggregate classification (germline): Uncertain significance (1 of 4 stars; one submission).

gnomAD v4.1: 11 of 1,565,460 alleles (0.0007%); highest among the groups gnomAD compares: Non-Finnish European, 0.00086%; no homozygotes.

Submission:

Labcorp Genetics (formerly Invitae), Labcorp
Classification: Uncertain significance. Last evaluated: 2022-03-14. Review status: criteria provided, single submitter. Criteria: Invitae Variant Classification Sherloc (09022015). Collection method: clinical testing. Allele origin: germline.
Comment: In summary, the available evidence is currently insufficient to determine the role of this variant in disease. Therefore, it has been classified as a Variant of Uncertain Significance. Algorithms developed to predict the effect of sequence changes on RNA splicing suggest that this variant may create or strengthen a splice site. This variant has not been reported in the literature in individuals affected with CCDC88A-related conditions. This variant is present in population databases (no rsID available, gnomAD 0.001%). This sequence change affects codon 566 of the CCDC88A mRNA. It is a 'silent' change, meaning that it does not change the encoded amino acid sequence of the CCDC88A protein.